The following is an entry in ClinVar:

NM_002691.4(POLD1):c.3166A>G (p.Thr1056Ala)

Gene: POLD1 (DNA polymerase delta 1, catalytic subunit; plus strand). Cytogenetic location: 19q13.33.
Variant type: single nucleotide variant.
Coding change: c.3166A>G on transcript NM_002691.4 (MANE Select); coding-DNA position 3166, A replaced by G.
Protein change: p.Thr1056Ala; replaces threonine 1056 with alanine.
Molecular consequence: missense variant. On other transcripts: non-coding transcript variant (1).
Genome position (GRCh38, 1-based): chr19:50,417,217, A>G. VCF-style: chr19-50417217-A-G. GRCh37 (hg19) VCF-style: chr19-50920474-A-G.
Other names: c.3166A>G, p.Thr1056Ala (NM_001256849.1); c.3244A>G, p.Thr1082Ala (NM_001308632.1); short protein forms T1056A, T1082A.
Identifiers: ClinVar variation 1522484 (VCV001522484.6), dbSNP rs2122507948, ClinGen allele CA406987393.

ClinVar aggregate classification (germline): Uncertain significance (1 of 4 stars; one submission).

Conditions:
POLD1-related polyposis and colorectal cancer syndrome (CRCS10). Also called: Colorectal cancer 10; COLORECTAL CANCER, SUSCEPTIBILITY TO, ON CHROMOSOME 19q; Colorectal cancer, susceptibility to, 10. Identifiers: Orphanet 220460, MedGen C2675481, MONDO:0012953, OMIM 612591.

Submission:

Labcorp Genetics (formerly Invitae), Labcorp
Classification: Uncertain significance for POLD1-related polyposis and colorectal cancer syndrome. Last evaluated: 2021-11-15. Review status: criteria provided, single submitter. Criteria: Invitae Variant Classification Sherloc (09022015). Collection method: clinical testing. Allele origin: germline.
Comment: In summary, the available evidence is currently insufficient to determine the role of this variant in disease. Therefore, it has been classified as a Variant of Uncertain Significance. Algorithms developed to predict the effect of missense changes on protein structure and function are either unavailable or do not agree on the potential impact of this missense change (SIFT: "Deleterious"; PolyPhen-2: "Probably Damaging"; Align-GVGD: "Class C0"). This sequence change replaces threonine, which is neutral and polar, with alanine, which is neutral and non-polar, at codon 1056 of the POLD1 protein (p.Thr1056Ala). This variant is not present in population databases (gnomAD no frequency). This variant has not been reported in the literature in individuals affected with POLD1-related conditions.